The following is an entry in ClinVar:

ClinVar aggregate classification (germline): Pathogenic (1 of 4 stars; one submission).

Submission:

Labcorp Genetics (formerly Invitae), Labcorp
Classification: Pathogenic. Last evaluated: 2022-10-20. Review status: criteria provided, single submitter. Criteria: Invitae Variant Classification Sherloc (09022015). Collection method: clinical testing. Allele origin: germline.
Comment: For these reasons, this variant has been classified as Pathogenic. This sequence change creates a premature translational stop signal (p.Phe1513Ilefs*6) in the PCDH15 gene. While this is not anticipated to result in nonsense mediated decay, it is expected to disrupt the last 443 amino acid(s) of the PCDH15 protein. This variant is not present in population databases (gnomAD no frequency). This variant has not been reported in the literature in individuals affected with PCDH15-related conditions. This variant disrupts a region of the PCDH15 protein in which other variant(s) (p.Gln1576*) have been determined to be pathogenic (PMID: 28281779). This suggests that this is a clinically significant region of the protein, and that variants that disrupt it are likely to be disease-causing.

Literature cited by the submitters: PubMed 28281779.

NM_033056.4(PCDH15):c.4536dup (p.Phe1513fs)

Gene: PCDH15 (protocadherin related 15; minus strand). Cytogenetic location: 10q21.1.
Variant type: Duplication.
Coding change: c.4536dup on transcript NM_033056.4 (MANE Plus Clinical); coding-DNA position 4536, one base duplicated (A; older notation c.4536dupA).
Protein change: p.Phe1513fs; shifts the reading frame from phenylalanine 1513.
Molecular consequence: frameshift variant. On other transcripts: intron variant (8).
Genome position (GRCh38, 1-based): chr10:53,823,190, T duplicated on the plus strand (A on the coding strand, the reverse complement: PCDH15 is on the minus strand); the first of 4 consecutive T bases (chr10:53,823,190-53,823,193); duplicating any one gives the same sequence. VCF-style (leftmost placement, unchanged base first): chr10-53823189-A-AT. GRCh37 (hg19) VCF-style: chr10-55582949-A-AT.
Other names: c.4467dup, p.Phe1490fs (NM_001142773.2); c.4470dup, p.Phe1491fs (NM_001354404.2); c.4367+4203dup (NM_001354420.2, NM_001354429.2); c.4368-2960dup (NM_001384140.1); c.4373+1946dup (NM_001142772.2, NM_001142770.3); c.4388+1946dup (NM_001142771.2); c.4388+4203dup (NM_001354411.2); c.4409+1946dup (NM_001142769.3); and 6 more; short protein forms F1444fs, F1520fs, F1491fs, F1493fs, F1515fs, F1473fs, F1490fs, F1510fs.
Identifiers: ClinVar variation 2036334 (VCV002036334.4), dbSNP rs2492411088, ClinGen allele CA2580081672.
Genomic context (GRCh38, chr10:53,823,189, plus strand): 5'-TGTTTTCCTTATAAAGGGGATTATGGGCACTTAAGTCATCCTCATCAGATAGAAATGTGA[A>AT]TTTTCTTGCAGACTTCAGTTTGTTGCTCTTAAGTGATCCGTCTACATGAGCTGACTTGTG-3'